The following is an entry in ClinVar:

ClinVar aggregate classification (germline): Uncertain significance (1 of 4 stars; one submission).

Conditions:
Idiopathic generalized epilepsy. Also called: Generalised epilepsy; EIG. Identifiers: MedGen C0270850, MONDO:0005579, OMIM 600669.

Allele frequency attached by ClinVar (database versions not stated): gnomAD exomes below 0.00001; ExAC 0.00001; TOPMed 0.00001.
gnomAD v4.1: 4 of 1,614,090 alleles (0.00025%); highest among the groups gnomAD compares: East Asian, 0.0089%; no homozygotes.

Submission:

Labcorp Genetics (formerly Invitae), Labcorp
Classification: Uncertain significance for Idiopathic generalized epilepsy. Last evaluated: 2022-12-06. Review status: criteria provided, single submitter. Criteria: Invitae Variant Classification Sherloc (09022015). Collection method: clinical testing. Allele origin: germline.
Comment: This variant has not been reported in the literature in individuals affected with RBFOX1-related conditions. This variant is present in population databases (rs761469568, gnomAD 0.006%). This sequence change replaces alanine, which is neutral and non-polar, with aspartic acid, which is acidic and polar, at codon 51 of the RBFOX1 protein (p.Ala51Asp). ClinVar contains an entry for this variant (Variation ID: 1435176). In summary, the available evidence is currently insufficient to determine the role of this variant in disease. Therefore, it has been classified as a Variant of Uncertain Significance. Advanced modeling of protein sequence and biophysical properties (such as structural, functional, and spatial information, amino acid conservation, physicochemical variation, residue mobility, and thermodynamic stability) performed at Invitae indicates that this missense variant is not expected to disrupt RBFOX1 protein function.

NM_018723.4(RBFOX1):c.92C>A (p.Ala31Asp)

Gene: RBFOX1 (RNA binding fox-1 homolog 1; plus strand). Cytogenetic location: 16p13.3.
Variant type: single nucleotide variant.
Coding change: c.92C>A on transcript NM_018723.4 (MANE Select); coding-DNA position 92, C replaced by A.
Protein change: p.Ala31Asp; replaces alanine 31 with aspartic acid.
Molecular consequence: missense variant.
Genome position (GRCh38, 1-based): chr16:7,518,211, C>A. VCF-style: chr16-7518211-C-A. GRCh37 (hg19) VCF-style: chr16-7568213-C-A.
Other names: c.92C>A, p.Ala31Asp (NM_001142333.2, NM_001142334.2, NM_001364800.2); c.221C>A, p.Ala74Asp (NM_001308117.1); c.152C>A, p.Ala51Asp (NM_145891.3, NM_145892.3, NM_145893.3); short protein forms A51D, A74D, A31D.
Identifiers: ClinVar variation 1435176 (VCV001435176.8), dbSNP rs761469568, ClinGen allele CA7891311.